The following is an entry in ClinVar:

ClinVar aggregate classification (germline): Uncertain significance. Review status: criteria provided, multiple submitters, no conflicts (2 of 4 stars). 2 submissions from 2 submitters: Uncertain significance (2). Last evaluated 2026-03-23.

Allele frequency attached by ClinVar (database versions not stated): ESP Exome Variant Server 0.00008; gnomAD exomes 0.00008; TOPMed 0.00002; gnomAD 0.00003; ExAC 0.00002.
gnomAD v4.1: 130 of 1,614,014 alleles (0.0081%); highest among the groups gnomAD compares: Non-Finnish European, 0.01%; no homozygotes.

Submissions (2):

Ambry Genetics
Classification: Uncertain significance. Last evaluated: 2026-03-23. Review status: criteria provided, single submitter. Criteria: Ambry Variant Classification Scheme 2023. Collection method: clinical testing. Allele origin: germline.
Comment: The c.919G>A (p.A307T) alteration is located in exon 6 (coding exon 3) of the CASZ1 gene. This alteration results from a G to A substitution at nucleotide position 919, causing the alanine (A) at amino acid position 307 to be replaced by a threonine (T). Based on data from gnomAD, the A allele has an overall frequency of 0.003% (7/282628) total alleles studied. The highest observed frequency was 0.005% (7/129034) of European (non-Finnish) alleles. Based on insufficient or conflicting evidence, the clinical significance of this alteration remains unclear.

Labcorp Genetics (formerly Invitae), Labcorp
Classification: Uncertain significance. Last evaluated: 2023-10-03. Review status: criteria provided, single submitter. Criteria: Invitae Variant Classification Sherloc (09022015). Collection method: clinical testing. Allele origin: germline.
Comment: This sequence change replaces alanine, which is neutral and non-polar, with threonine, which is neutral and polar, at codon 307 of the CASZ1 protein (p.Ala307Thr). This variant is present in population databases (rs145776572, gnomAD 0.005%). This variant has not been reported in the literature in individuals affected with CASZ1-related conditions. An algorithm developed to predict the effect of missense changes on protein structure and function (PolyPhen-2) suggests that this variant is likely to be disruptive. In summary, the available evidence is currently insufficient to determine the role of this variant in disease. Therefore, it has been classified as a Variant of Uncertain Significance.

NM_001079843.3(CASZ1):c.919G>A (p.Ala307Thr)

Gene: CASZ1 (castor zinc finger 1; minus strand). Cytogenetic location: 1p36.22.
Variant type: single nucleotide variant.
Coding change: c.919G>A on transcript NM_001079843.3 (MANE Select); coding-DNA position 919, G replaced by A.
Protein change: p.Ala307Thr; replaces alanine 307 with threonine.
Molecular consequence: missense variant.
Genome position (GRCh38, 1-based): chr1:10,660,123, C>T on the plus strand (G>A on the coding strand, the complement: CASZ1 is on the minus strand). VCF-style: chr1-10660123-C-T. GRCh37 (hg19) VCF-style: chr1-10720180-C-T.
Other names: c.919G>A, p.Ala307Thr (NM_017766.5); c.919G>A (NM_001079843.1); short protein forms A307T.
Identifiers: ClinVar variation 2712442 (VCV002712442.4), dbSNP rs145776572, ClinGen allele CA585285.
Genomic context (GRCh38, chr1:10,660,123, plus strand): 5'-GCCGCAGATTCTCGCCGGTCTTCAGTTTTTGGATGAAGAAGTCGTACTTGGAGGCCCGGG[C>T]TACCAGGTTCTGCATCTGGACACTGCTGTGCGACGGCAGGGGCAGGATGGTGGCCTTGGT-3'
Protein context (NP_001073312.1, residues 297-317): HSSVQMQNLV[Ala307Thr]RASKYDFFIQ